The following is an entry in ClinVar:

ClinVar aggregate classification (germline): Pathogenic/Likely pathogenic. Review status: criteria provided, multiple submitters, no conflicts (2 of 4 stars). 5 submissions from 5 submitters: Pathogenic (3); Likely pathogenic (1). 1 of the submissions does not count toward it. Last evaluated 2026-01-20.

Conditions:
DNAI2-related disorders.
Primary ciliary dyskinesia. Also called: Ciliary dyskinesia. Identifiers: Orphanet 244, MedGen C0008780, MONDO:0016575, HP:0012265.
Primary ciliary dyskinesia 9. Also called: CILIARY DYSKINESIA, PRIMARY, 9, WITH OR WITHOUT SITUS INVERSUS. Identifiers: Orphanet 244, MedGen C2676235, MONDO:0012906, OMIM 612444.

gnomAD v4.1: 1 of 1,613,728 alleles (0.000062%); highest among the groups gnomAD compares: Non-Finnish European, 0.000085%; no homozygotes.

Submissions (5):

Myriad Genetics, Inc.
Classification: Pathogenic for Primary ciliary dyskinesia 9. Last evaluated: 2026-01-20. Review status: criteria provided, single submitter. Criteria: Myriad Autosomal Dominant, Autosomal Recessive and X-Linked Classification Criteria (2023). Collection method: clinical testing. Allele origin: unknown.
Comment: NM_023036.4(DNAI2):c.346-3T>G is an intronic variant classified as pathogenic in the context of primary ciliary dyskinesia, DNAI2-related. c.346-3T>G has been observed in cases with relevant disease (PMID: 18950741, 32253119, 33182294). Relevant functional assessments of this variant are available in the literature (PMID: 18950741). c.346-3T>G has not been observed in referenced population frequency databases. In summary, NM_023036.4(DNAI2):c.346-3T>G is an intronic variant that has functional support for pathogenicity and has been observed more frequently in cases with the relevant disease than in healthy populations. Please note: this variant was assessed in the context of healthy population screening.

Blueprint Genetics
Classification: Likely pathogenic for DNAI2-related disorders. Last evaluated: 2024-07-16. Review status: criteria provided, single submitter. Criteria: ACMG Guidelines, 2015. Collection method: clinical testing. Allele origin: germline. Affected: yes. Observed: 3 variant alleles.

GeneDx
Classification: Pathogenic. Last evaluated: 2023-05-22. Review status: criteria provided, single submitter. Criteria: GeneDx Variant Classification Process June 2021. Collection method: clinical testing. Allele origin: germline. Affected: yes.
Comment: Non-canonical splice site variant demonstrated to result in loss of function (Loges et al., 2008); Not observed at significant frequency in large population cohorts (gnomAD); This variant is associated with the following publications: (PMID: 25525159, 32253119, 18950741)

Labcorp Genetics (formerly Invitae), Labcorp
Classification: Pathogenic for Primary ciliary dyskinesia. Last evaluated: 2022-07-19. Review status: criteria provided, single submitter. Criteria: Invitae Variant Classification Sherloc (09022015). Collection method: clinical testing. Allele origin: germline.
Comment: For these reasons, this variant has been classified as Pathogenic. Variants that disrupt the consensus splice site are a relatively common cause of aberrant splicing (PMID: 17576681, 9536098). Studies have shown that this variant results in exon 4 skipping and introduces a premature termination codon (PMID: 18950741). The resulting mRNA is expected to undergo nonsense-mediated decay. ClinVar contains an entry for this variant (Variation ID: 4954). This variant is also known as IVS3-3T>G. This variant has been observed in individual(s) with primary ciliary dyskinesia (PMID: 18950741). This variant is not present in population databases (gnomAD no frequency). This sequence change falls in intron 3 of the DNAI2 gene. It does not directly change the encoded amino acid sequence of the DNAI2 protein. RNA analysis indicates that this variant induces altered splicing and may result in an absent or disrupted protein product.

OMIM
Classification: Pathogenic for CILIARY DYSKINESIA, PRIMARY, 9, WITH SITUS INVERSUS. Last evaluated: 2008-11-01. Review status: no assertion criteria provided. Collection method: literature only. Allele origin: germline. Not counted in ClinVar's aggregate classification.

Literature cited by the submitters: PubMed 18950741 (cited by 3 submitters); PubMed 32253119 (cited by Myriad Genetics, Inc.); PubMed 33182294 (cited by Myriad Genetics, Inc.); PubMed 17576681 (cited by Labcorp Genetics (formerly Invitae), Labcorp); PubMed 9536098 (cited by Labcorp Genetics (formerly Invitae), Labcorp).

NM_023036.6(DNAI2):c.346-3T>G

Gene: DNAI2 (dynein axonemal intermediate chain 2; plus strand). Cytogenetic location: 17q25.1.
Variant type: single nucleotide variant.
Coding change: c.346-3T>G on transcript NM_023036.6 (MANE Select); 3 bases into the intron before coding-DNA position 346, T replaced by G.
Molecular consequence: intron variant.
Genome position (GRCh38, 1-based): chr17:74,286,974, T>G. VCF-style: chr17-74286974-T-G. GRCh37 (hg19) VCF-style: chr17-72283113-T-G.
Other names: IVS3AS, T-G, -3; c.346-3T>G (NM_001353167.2, NM_001172810.3).
Identifiers: ClinVar variation 4954 (VCV000004954.13), dbSNP rs397515358, ClinGen allele CA253357.